The following is an entry in ClinVar:

NM_014712.3(SETD1A):c.435T>A (p.Thr145=)

Gene: SETD1A (SET domain containing 1A, histone lysine methyltransferase; plus strand). Cytogenetic location: 16p11.2.
Variant type: single nucleotide variant.
Coding change: c.435T>A on transcript NM_014712.3 (MANE Select); coding-DNA position 435, T replaced by A.
Protein change: p.Thr145=; no amino-acid change (threonine 145 retained).
Molecular consequence: synonymous variant.
Genome position (GRCh38, 1-based): chr16:30,961,455, T>A. VCF-style: chr16-30961455-T-A. GRCh37 (hg19) VCF-style: chr16-30972776-T-A.
Identifiers: ClinVar variation 5039662 (VCV005039662.1).

ClinVar aggregate classification (germline): Likely benign (1 of 4 stars; one submission).

Submission:

CeGaT Center for Human Genetics Tuebingen
Classification: Likely benign. Last evaluated: 2026-08-01. Review status: criteria provided, single submitter. Criteria: CeGaT Center For Human Genetics Tuebingen Variant Classification Criteria Version 2. Collection method: clinical testing. Allele origin: germline. Affected: yes. Observed: 1 variant allele.
Comment: SETD1A: PM2:Supporting, BP4, BP7